The following is an entry in ClinVar:

ClinVar aggregate classification (germline): Benign/Likely benign. Review status: criteria provided, multiple submitters, no conflicts (2 of 4 stars). 3 submissions from 3 submitters: Benign (1); Likely benign (2). Last evaluated 2025-11-05.

Conditions:
Hereditary cancer-predisposing syndrome. Also called: Tumor predisposition; Hereditary neoplastic syndrome; Neoplastic Syndromes, Hereditary; Hereditary Cancer Syndrome. Identifiers: Orphanet 140162, MedGen C0027672, MeSH D009386, MONDO:0015356.
Hereditary diffuse gastric adenocarcinoma (HDGC). Also called: DIFFUSE GASTRIC AND LOBULAR BREAST CANCER SYNDROME. Identifiers: Orphanet 26106, MedGen C1708349, MONDO:0007648, OMIM 137215.

Allele frequency attached by ClinVar (database versions not stated): gnomAD 0.00001; TOPMed 0.00001; 1000 Genomes Project 30x 0.00016; 1000 Genomes Project 0.00020.
gnomAD v4.1: 22 of 1,613,884 alleles (0.0014%); highest among the groups gnomAD compares: South Asian, 0.0099%; no homozygotes.

Submissions (3):

Labcorp Genetics (formerly Invitae), Labcorp
Classification: Likely benign. Last evaluated: 2025-11-05. Review status: criteria provided, single submitter. Criteria: Invitae Variant Classification Sherloc (09022015). Collection method: clinical testing. Allele origin: germline.

Myriad Genetics, Inc.
Classification: Benign for Hereditary diffuse gastric adenocarcinoma. Last evaluated: 2024-10-15. Review status: criteria provided, single submitter. Criteria: Myriad Autosomal Dominant, Autosomal Recessive and X-Linked Classification Criteria (2023). Collection method: clinical testing. Allele origin: unknown.
Comment: This variant is considered benign. This variant is a silent/synonymous amino acid change and it is not expected to impact splicing.

Ambry Genetics
Classification: Likely benign for Hereditary cancer-predisposing syndrome. Last evaluated: 2020-11-02. Review status: criteria provided, single submitter. Criteria: Ambry Variant Classification Scheme 2023. Collection method: clinical testing. Allele origin: germline.

NM_001903.5(CTNNA1):c.2670C>T (p.His890=)

Gene: CTNNA1 (catenin alpha 1; plus strand). Cytogenetic location: 5q31.2.
Variant type: single nucleotide variant.
Coding change: c.2670C>T on transcript NM_001903.5 (MANE Select); coding-DNA position 2670, C replaced by T.
Protein change: p.His890=; no amino-acid change (histidine 890 retained).
Molecular consequence: synonymous variant. On other transcripts: 3 prime UTR variant (5).
Genome position (GRCh38, 1-based): chr5:138,934,038, C>T. VCF-style: chr5-138934038-C-T. GRCh37 (hg19) VCF-style: chr5-138269727-C-T.
Other names: c.1560C>T, p.His520= (NM_001290312.1, NM_001323987.1, NM_001323988.1 and 12 more transcripts); c.2670C>T, p.His890= (NM_001323982.2, NM_001323983.1, NM_001323984.2); c.*215C>T (NM_001290307.3, NM_001324002.1, NM_001324003.1 and 2 more transcripts); c.2361C>T, p.His787= (NM_001290309.3); c.2301C>T, p.His767= (NM_001290310.3); c.2643C>T, p.His881= (NM_001323985.2); c.2577C>T, p.His859= (NM_001323986.2); c.1425C>T, p.His475= (NM_001324001.1); and 3 more.
Identifiers: ClinVar variation 703106 (VCV000703106.14), dbSNP rs528674508, ClinGen allele CA3432277.